The following is an entry in ClinVar:

ClinVar aggregate classification (germline): Uncertain significance (1 of 4 stars; one submission).

Conditions:
Cystic fibrosis (CF). Also called: MUCOVISCIDOSIS. Identifiers: Orphanet 586, MedGen C0010674, MONDO:0009061, OMIM 219700. Disease mechanism: loss of function.

gnomAD v4.1: 1 of 1,613,194 alleles (0.000062%); highest among the groups gnomAD compares: East Asian, 0.0022%; no homozygotes.

Submission:

Ambry Genetics
Classification: Uncertain significance for Cystic fibrosis. Last evaluated: 2021-12-30. Review status: criteria provided, single submitter. Criteria: Ambry Variant Classification Scheme 2023. Collection method: clinical testing. Allele origin: germline.
Comment: The p.V1108I variant (also known as c.3322G>A), located in coding exon 20 of the CFTR gene, results from a G to A substitution at nucleotide position 3322. The valine at codon 1108 is replaced by isoleucine, an amino acid with highly similar properties. This amino acid position is conserved. In addition, the in silico prediction for this alteration is inconclusive. Since supporting evidence is limited at this time, the clinical significance of this alteration remains unclear.

NM_000492.4(CFTR):c.3322G>A (p.Val1108Ile)

Genes: CFTR-AS2 (CFTR antisense RNA 2; minus strand), CFTR (CF transmembrane conductance regulator; plus strand), LOC111674472 (DNase I hypersensitive sites in introns 16 and 17a of CFTR; plus strand). Cytogenetic location: 7q31.2.
Variant type: single nucleotide variant.
Coding change: c.3322G>A on transcript NM_000492.4 (MANE Select); coding-DNA position 3322, G replaced by A.
Protein change: p.Val1108Ile; replaces valine 1108 with isoleucine.
Molecular consequence: missense variant.
Genome position (GRCh38, 1-based): chr7:117,611,763, G>A. VCF-style: chr7-117611763-G-A. GRCh37 (hg19) VCF-style: chr7-117251817-G-A.
Other names: short protein forms V1108I.
Identifiers: ClinVar variation 1730217 (VCV001730217.2), dbSNP rs397508542, ClinGen allele CA368992536.